The following is an entry in ClinVar:

ClinVar aggregate classification (germline): Uncertain significance (1 of 4 stars; one submission).

Submission:

Ambry Genetics
Classification: Uncertain significance. Last evaluated: 2021-07-29. Review status: criteria provided, single submitter. Criteria: Ambry Variant Classification Scheme 2023. Collection method: clinical testing. Allele origin: germline.
Comment: The p.E1570A variant (also known as c.4709A>C), located in coding exon 36 of the PRKDC gene, results from an A to C substitution at nucleotide position 4709. The glutamic acid at codon 1570 is replaced by alanine, an amino acid with dissimilar properties. This amino acid position is conserved. In addition, this alteration is predicted to be tolerated by in silico analysis. Since supporting evidence is limited at this time, the clinical significance of this alteration remains unclear.

NM_006904.7(PRKDC):c.4709A>C (p.Glu1570Ala)

Gene: PRKDC (protein kinase, DNA-activated, catalytic subunit; minus strand). Cytogenetic location: 8q11.21.
Variant type: single nucleotide variant.
Coding change: c.4709A>C on transcript NM_006904.7 (MANE Select); coding-DNA position 4709, A replaced by C.
Protein change: p.Glu1570Ala; replaces glutamic acid 1570 with alanine.
Molecular consequence: missense variant.
Genome position (GRCh38, 1-based): chr8:47,886,011, T>G on the plus strand (A>C on the coding strand, the complement: PRKDC is on the minus strand). VCF-style: chr8-47886011-T-G. GRCh37 (hg19) VCF-style: chr8-48798572-T-G.
Other names: c.4709A>C, p.Glu1570Ala (NM_001081640.2); short protein forms E1570A.
Identifiers: ClinVar variation 1742579 (VCV001742579.2), dbSNP rs2089320114, ClinGen allele CA371142901.